The following is an entry in ClinVar:

ClinVar aggregate classification (germline): Uncertain significance. Review status: criteria provided, multiple submitters, no conflicts (2 of 4 stars). 2 submissions from 2 submitters: Uncertain significance (2). Last evaluated 2024-12-27.

Conditions:
Cardiomyopathy (CMYO). Also called: Cardiomyopathies. Identifiers: Orphanet 167848, MedGen C0878544, MONDO:0004994, HP:0001638. Inheritance: Various modes of inheritance.
Catecholaminergic polymorphic ventricular tachycardia 1. Also called: VENTRICULAR TACHYCARDIA, CATECHOLAMINERGIC POLYMORPHIC, 1, WITH OR WITHOUT ATRIAL DYSFUNCTION AND/OR DILATED CARDIOMYOPATHY; RYR2-Related Catecholaminergic Polymorphic Ventricular Tachycardia; VENTRICULAR TACHYCARDIA, STRESS-INDUCED POLYMORPHIC 1. Identifiers: Orphanet 3286, MedGen C1631597, MONDO:0011484, OMIM 604772.

Allele frequency attached by ClinVar (database versions not stated): gnomAD exomes below 0.00001.
gnomAD v4.1: 2 of 1,610,290 alleles (0.00012%); highest among the groups gnomAD compares: Non-Finnish European, 0.00017%; no homozygotes.

Submissions (2):

Labcorp Genetics (formerly Invitae), Labcorp
Classification: Uncertain significance for Catecholaminergic polymorphic ventricular tachycardia 1. Last evaluated: 2024-12-27. Review status: criteria provided, single submitter. Criteria: Invitae Variant Classification Sherloc (09022015). Collection method: clinical testing. Allele origin: germline.
Comment: This sequence change replaces serine, which is neutral and polar, with alanine, which is neutral and non-polar, at codon 4360 of the RYR2 protein (p.Ser4360Ala). This variant is present in population databases (no rsID available, gnomAD 0.0009%). This variant has not been reported in the literature in individuals affected with RYR2-related conditions. ClinVar contains an entry for this variant (Variation ID: 919862). Invitae Evidence Modeling of protein sequence and biophysical properties (such as structural, functional, and spatial information, amino acid conservation, physicochemical variation, residue mobility, and thermodynamic stability) indicates that this missense variant is not expected to disrupt RYR2 protein function with a negative predictive value of 95%. In summary, the available evidence is currently insufficient to determine the role of this variant in disease. Therefore, it has been classified as a Variant of Uncertain Significance.

Color Diagnostics, LLC DBA Color Health
Classification: Uncertain significance for Cardiomyopathy. Last evaluated: 2024-03-06. Review status: criteria provided, single submitter. Criteria: ACMG Guidelines, 2015. Collection method: clinical testing. Allele origin: germline.
Comment: This missense variant replaces serine with alanine at codon 4360 of the RYR2 protein. Computational prediction tool suggests that this variant may not impact protein structure and function (internally defined REVEL score threshold <=0.5, PMID: 27666373). Splice site prediction tools suggest that this variant may not impact RNA splicing. To our knowledge, functional studies have not been performed for this variant. This variant has not been reported in individuals affected with cardiovascular disorders in the literature. This variant has been identified in 1/247078 chromosomes in the general population by the Genome Aggregation Database (gnomAD). The available evidence is insufficient to determine the role of this variant in disease conclusively. Therefore, this variant is classified as a Variant of Uncertain Significance.

NM_001035.3(RYR2):c.13078T>G (p.Ser4360Ala)

Genes: RYR2 (ryanodine receptor 2; plus strand), LOC126806068 (BRD4-independent group 4 enhancer GRCh37_chr1:237947411-237948610; plus strand). Cytogenetic location: 1q43.
Variant type: single nucleotide variant.
Coding change: c.13078T>G on transcript NM_001035.3 (MANE Select); coding-DNA position 13078, T replaced by G.
Protein change: p.Ser4360Ala; replaces serine 4360 with alanine.
Molecular consequence: missense variant.
Genome position (GRCh38, 1-based): chr1:237,784,790, T>G. VCF-style: chr1-237784790-T-G. GRCh37 (hg19) VCF-style: chr1-237948090-T-G.
Other names: short protein forms S4360A.
Identifiers: ClinVar variation 919862 (VCV000919862.13), dbSNP rs1420181587, ClinGen allele CA345415211.
Genomic context (GRCh38, chr1:237,784,790, plus strand): 5'-GATGAGGTTAGAGGAGATGGGGAGGAGGGAGAGAGGAAACCCCTGGAAGCCGCCCTGCCC[T>G]CCGAGGATCTGACCGACTTAAAGGAGCTGACAGAGGAAAGTGACCTTCTTTCGGACATCT-3'
Protein context (NP_001026.2, residues 4350-4370): ERKPLEAALP[Ser4360Ala]EDLTDLKELT